The following is an entry in ClinVar:

NM_152722.5(HEPACAM):c.1006G>T (p.Gly336Cys)

Gene: HEPACAM (hepatic and glial cell adhesion molecule; minus strand). Cytogenetic location: 11q24.2.
Variant type: single nucleotide variant.
Coding change: c.1006G>T on transcript NM_152722.5 (MANE Select); coding-DNA position 1006, G replaced by T.
Protein change: p.Gly336Cys; replaces glycine 336 with cysteine.
Molecular consequence: missense variant.
Genome position (GRCh38, 1-based): chr11:124,921,383, C>A on the plus strand (G>T on the coding strand, the complement: HEPACAM is on the minus strand). VCF-style: chr11-124921383-C-A. GRCh37 (hg19) VCF-style: chr11-124791279-C-A.
Other names: short protein forms G336C.
Identifiers: ClinVar variation 1492069 (VCV001492069.8), dbSNP rs1004070627, ClinGen allele CA383137901.

ClinVar aggregate classification (germline): Uncertain significance (1 of 4 stars; one submission).

Submission:

Labcorp Genetics (formerly Invitae), Labcorp
Classification: Uncertain significance. Last evaluated: 2021-12-02. Review status: criteria provided, single submitter. Criteria: Invitae Variant Classification Sherloc (09022015). Collection method: clinical testing. Allele origin: germline.
Comment: In summary, the available evidence is currently insufficient to determine the role of this variant in disease. Therefore, it has been classified as a Variant of Uncertain Significance. Algorithms developed to predict the effect of missense changes on protein structure and function are either unavailable or do not agree on the potential impact of this missense change (SIFT: "Tolerated"; PolyPhen-2: "Possibly Damaging"; Align-GVGD: "Class C0"). This variant has not been reported in the literature in individuals affected with HEPACAM-related conditions. This variant is not present in population databases (gnomAD no frequency). This sequence change replaces glycine, which is neutral and non-polar, with cysteine, which is neutral and slightly polar, at codon 336 of the HEPACAM protein (p.Gly336Cys).